The following is an entry in ClinVar:

NM_001039591.3(USP9X):c.1774C>T (p.Arg592Ter)

Gene: USP9X (ubiquitin specific peptidase 9 X-linked; plus strand). Cytogenetic location: Xp11.4.
Variant type: single nucleotide variant.
Coding change: c.1774C>T on transcript NM_001039591.3 (MANE Select); coding-DNA position 1774, C replaced by T.
Protein change: p.Arg592Ter; replaces arginine 592 with a stop codon.
Molecular consequence: nonsense.
Genome position (GRCh38, 1-based): chrX:41,152,958, C>T. VCF-style: chrX-41152958-C-T. GRCh37 (hg19) VCF-style: chrX-41012211-C-T.
Other names: c.1774C>T, p.Arg592Ter (NM_001039590.3); c.1789C>T, p.Arg597Ter (NM_001410748.1, NM_001410749.1, NM_001437534.1); short protein forms R592*, R597*.
Identifiers: ClinVar variation 4082692 (VCV004082692.2).

ClinVar aggregate classification (germline): Pathogenic. Review status: criteria provided, multiple submitters, no conflicts (2 of 4 stars). 2 submissions from 2 submitters: Pathogenic (2). Last evaluated 2025-09-09.

Conditions:
Intellectual developmental disorder, X-linked 99, syndromic, female-restricted. Also called: Intellectual disability, X-linked 99, syndromic, female-restricted. Identifiers: MedGen C4225416, MONDO:0010502, OMIM 300968.

Submissions (2):

3billion
Classification: Pathogenic for Intellectual developmental disorder, X-linked 99, syndromic, female-restricted. Last evaluated: 2025-09-09. Review status: criteria provided, single submitter. Criteria: ACMG Guidelines, 2015. Collection method: clinical testing. Allele origin: germline. Affected: yes.
Comment: The variant is not observed in the gnomAD v4.1.0 dataset. Predicted Consequence/Location: Stop-gained (nonsense): predicted to result in a loss or disruption of normal protein function through nonsense-mediated decay (NMD) or protein truncation. Multiple pathogenic variants are reported downstream of the variant. The variant has been reported to be associated with USP9X-related disorder (PMID: 38438125). Therefore, this variant is classified as Pathogenic according to the recommendation of ACMG/AMP guideline.

GeneDx
Classification: Pathogenic. Last evaluated: 2025-03-10. Review status: criteria provided, single submitter. Criteria: GeneDx Variant Classification Process June 2021. Collection method: clinical testing. Allele origin: germline. Affected: yes.
Comment: Nonsense variant predicted to result in protein truncation or nonsense mediated decay in a gene for which loss of function is a known mechanism of disease; Not observed at significant frequency in large population cohorts (gnomAD); This variant is associated with the following publications: (PMID: 38438125)

Literature cited by the submitters: PubMed 38438125 (cited by 3billion).